The following is an entry in ClinVar:

ClinVar aggregate classification (germline): Likely benign (0 of 4 stars; one submission).

Conditions:
FNDC3A-related disorder. Also called: FNDC3A-related condition.

Allele frequency attached by ClinVar (database versions not stated): ESP Exome Variant Server 0.00023; ExAC 0.00042; gnomAD 0.00044; TOPMed 0.00045.
gnomAD v4.1: 884 of 1,611,668 alleles (0.055%); highest among the groups gnomAD compares: Non-Finnish European, 0.071%; 1 homozygote.

Submission:

PreventionGenetics, part of Exact Sciences
Classification: Likely benign for FNDC3A-related condition. Last evaluated: 2019-06-06. Review status: no assertion criteria provided. Collection method: clinical testing. Allele origin: germline.
Comment: This variant is classified as likely benign based on ACMG/AMP sequence variant interpretation guidelines (Richards et al. 2015 PMID: 25741868, with internal and published modifications).

NM_001079673.2(FNDC3A):c.2043A>G (p.Leu681=)

Gene: FNDC3A (fibronectin type III domain containing 3A; plus strand). Cytogenetic location: 13q14.2.
Variant type: single nucleotide variant.
Coding change: c.2043A>G on transcript NM_001079673.2 (MANE Select); coding-DNA position 2043, A replaced by G.
Protein change: p.Leu681=; no amino-acid change (leucine 681 retained).
Molecular consequence: synonymous variant.
Genome position (GRCh38, 1-based): chr13:49,191,113, A>G. VCF-style: chr13-49191113-A-G. GRCh37 (hg19) VCF-style: chr13-49765249-A-G.
Other names: c.2043A>G, p.Leu681= (NM_001278438.2); c.1875A>G, p.Leu625= (NM_014923.5).
Identifiers: ClinVar variation 3044836 (VCV003044836.2), dbSNP rs138343551, ClinGen allele CA6980238.
Genomic context (GRCh38, chr13:49,191,113, plus strand): 5'-TCCTGGCCCATGCCTCCCTCCCAGATTACAGGGTAGACCCAAAGCAAAAGAAATACAGTT[A>G]CGATGGGGTAATTTCCATTTTGGTAATAAATTATAATTAAGCTAGAACAGGAAGTATTCG-3'
Protein context (NP_001073141.1, residues 671-691): QGRPKAKEIQ[Leu681=]RWGPPLVDGG